The following is an entry in ClinVar:

NM_012106.4(ARL2BP):c.455C>T (p.Ser152Phe)

Gene: ARL2BP (ARF like GTPase 2 binding protein; plus strand). Cytogenetic location: 16q13.
Variant type: single nucleotide variant.
Coding change: c.455C>T on transcript NM_012106.4 (MANE Select); coding-DNA position 455, C replaced by T.
Protein change: p.Ser152Phe; replaces serine 152 with phenylalanine.
Molecular consequence: missense variant.
Genome position (GRCh38, 1-based): chr16:57,252,230, C>T. VCF-style: chr16-57252230-C-T. GRCh37 (hg19) VCF-style: chr16-57286142-C-T.
Other names: short protein forms S152F.
Identifiers: ClinVar variation 1504620 (VCV001504620.8), dbSNP rs2146432498, ClinGen allele CA396023776.

ClinVar aggregate classification (germline): Uncertain significance (1 of 4 stars; one submission).

Submission:

Labcorp Genetics (formerly Invitae), Labcorp
Classification: Uncertain significance. Last evaluated: 2022-03-19. Review status: criteria provided, single submitter. Criteria: Invitae Variant Classification Sherloc (09022015). Collection method: clinical testing. Allele origin: germline.
Comment: This sequence change replaces serine, which is neutral and polar, with phenylalanine, which is neutral and non-polar, at codon 152 of the ARL2BP protein (p.Ser152Phe). This variant is not present in population databases (gnomAD no frequency). This variant has not been reported in the literature in individuals affected with ARL2BP-related conditions. Algorithms developed to predict the effect of missense changes on protein structure and function are either unavailable or do not agree on the potential impact of this missense change (SIFT: "Deleterious"; PolyPhen-2: "Possibly Damaging"; Align-GVGD: "Class C15"). Algorithms developed to predict the effect of sequence changes on RNA splicing suggest that this variant may create or strengthen a splice site. In summary, the available evidence is currently insufficient to determine the role of this variant in disease. Therefore, it has been classified as a Variant of Uncertain Significance.